The following is an entry in ClinVar:

ClinVar aggregate classification (germline): Uncertain significance (1 of 4 stars; one submission).

Submission:

Women's Health and Genetics/Laboratory Corporation of America, LabCorp
Classification: Uncertain significance. Last evaluated: 2025-06-23. Review status: criteria provided, single submitter. Criteria: LabCorp Variant Classification Summary - May 2015. Collection method: clinical testing. Allele origin: germline.
Comment: Variant summary: ARSA c.910A>C (p.Lys304Gln) results in a conservative amino acid change in the encoded protein sequence. Algorithms developed to predict the effect of missense changes on protein structure and function are either unavailable or do not agree on the potential impact of this missense change. The variant was absent in 248266 control chromosomes. The available data on variant occurrences in the general population are insufficient to allow any conclusion about variant significance. To our knowledge, no occurrence of c.910A>C in individuals affected with Metachromatic Leukodystrophy and no experimental evidence demonstrating its impact on protein function have been reported. No submitters have cited clinical-significance assessments for this variant to ClinVar. Based on the evidence outlined above, the variant was classified as uncertain significance.

NM_000487.6(ARSA):c.910A>C (p.Lys304Gln)

Gene: ARSA (arylsulfatase A; minus strand). Cytogenetic location: 22q13.33.
Variant type: single nucleotide variant.
Coding change: c.910A>C on transcript NM_000487.6 (MANE Select); coding-DNA position 910, A replaced by C.
Protein change: p.Lys304Gln; replaces lysine 304 with glutamine.
Molecular consequence: missense variant.
Genome position (GRCh38, 1-based): chr22:50,626,223, T>G on the plus strand (A>C on the coding strand, the complement: ARSA is on the minus strand). VCF-style: chr22-50626223-T-G. GRCh37 (hg19) VCF-style: chr22-51064651-T-G.
Other names: c.910A>C, p.Lys304Gln (NM_001085425.3, NM_001085426.3, NM_001085427.3); c.652A>C, p.Lys218Gln (NM_001085428.3, NM_001362782.2); short protein forms K218Q, K304Q.
Identifiers: ClinVar variation 3907566 (VCV003907566.1).